The following is an entry in ClinVar:

ClinVar aggregate classification (germline): Likely pathogenic (1 of 4 stars; one submission).

Submission:

GeneDx
Classification: Likely pathogenic. Last evaluated: 2025-09-24. Review status: criteria provided, single submitter. Criteria: GeneDx Variant Classification Process June 2021. Collection method: clinical testing. Allele origin: germline.
Comment: Not observed at significant frequency in large population cohorts (gnomAD); In silico analysis supports that this missense variant has a deleterious effect on protein structure/function; This substitution is predicted to be within the intracellular loop between the S4 and S5 transmembrane segments of the first homologous domain; Has not been previously published as pathogenic or benign to our knowledge; Reported using an alternate transcript of the gene; This variant is associated with the following publications: (PMID: 32916281)

NM_001330260.2(SCN8A):c.643A>G (p.Asn215Asp)

Gene: SCN8A (sodium voltage-gated channel alpha subunit 8; plus strand). Cytogenetic location: 12q13.13.
Variant type: single nucleotide variant.
Coding change: c.643A>G on transcript NM_001330260.2 (MANE Select); coding-DNA position 643, A replaced by G.
Protein change: p.Asn215Asp; replaces asparagine 215 with aspartic acid.
Molecular consequence: missense variant. On other transcripts: intron variant (2).
Genome position (GRCh38, 1-based): chr12:51,689,033, A>G. VCF-style: chr12-51689033-A-G. GRCh37 (hg19) VCF-style: chr12-52082817-A-G.
Other names: c.643A>G, p.Asn215Asp (NM_001369788.1); c.706+184A>G (NM_014191.4, NM_001177984.3); short protein forms N215D.
Identifiers: ClinVar variation 3363855 (VCV003363855.2).